The following is an entry in ClinVar:

NM_017780.4(CHD7):c.2677A>G (p.Ser893Gly)

Gene: CHD7 (chromodomain helicase DNA binding protein 7; plus strand). Cytogenetic location: 8q12.2.
Variant type: single nucleotide variant.
Coding change: c.2677A>G on transcript NM_017780.4 (MANE Select); coding-DNA position 2677, A replaced by G.
Protein change: p.Ser893Gly; replaces serine 893 with glycine.
Molecular consequence: missense variant. On other transcripts: intron variant (1).
Genome position (GRCh38, 1-based): chr8:60,820,070, A>G. VCF-style: chr8-60820070-A-G. GRCh37 (hg19) VCF-style: chr8-61732629-A-G.
Other names: c.2677A>G (NM_017780.3); c.1716+39020A>G (NM_001316690.1); short protein forms S893G.
Identifiers: ClinVar variation 2732815 (VCV002732815.5), dbSNP rs916713081, ClinGen allele CA177329237.

ClinVar aggregate classification (germline): Conflicting classifications of pathogenicity. Review status: criteria provided, conflicting classifications (1 of 4 stars). 3 submissions from 3 submitters: Uncertain significance (2); Likely benign (1). Last evaluated 2026-01-26.

Conditions:
Hypogonadotropic hypogonadism 5 with or without anosmia (KAL5). Also called: CHD7-Related GnRH Deficiency (Kallmann Syndrome 5); HYPOGONADOTROPIC HYPOGONADISM 5 WITH ANOSMIA; HYPOGONADOTROPHIC HYPOGONADISM 5 WITHOUT ANOSMIA. Identifiers: Orphanet 478, MedGen C3552553, MONDO:0012880, OMIM 612370. Disease mechanism: loss of function.
CHARGE syndrome (CHARGE). Also called: Hittner Hirsch Kreh syndrome; CHARGE ASSOCIATION--COLOBOMA, HEART ANOMALY, CHOANAL ATRESIA, RETARDATION, GENITAL AND EAR ANOMALIES; Coloboma, heart anomaly, choanal atresia, retardation, genital and ear anomalies; CHARGE association; Hall-Hittner syndrome. Identifiers: Orphanet 138, MedGen C0265354, MONDO:0008965.
Inborn genetic diseases. Identifiers: MedGen C0950123, MeSH D030342.

Allele frequency attached by ClinVar (database versions not stated): gnomAD exomes below 0.00001; TOPMed below 0.00001.
gnomAD v4.1: 4 of 1,609,304 alleles (0.00025%); highest among the groups gnomAD compares: African/African-American, 0.0027%; no homozygotes.

Submissions (3):

Ambry Genetics
Classification: Uncertain significance for Inborn genetic diseases. Last evaluated: 2026-01-26. Review status: criteria provided, single submitter. Criteria: Ambry Variant Classification Scheme 2023. Collection method: clinical testing. Allele origin: germline.
Comment: The c.2677A>G (p.S893G) alteration is located in exon 9 (coding exon 8) of the CHD7 gene. This alteration results from a A to G substitution at nucleotide position 2677, causing the serine (S) at amino acid position 893 to be replaced by a glycine (G). Based on data from gnomAD, the G allele has an overall frequency of <0.001% (1/243804) total alleles studied. The highest observed frequency was 0.007% (1/14996) of African alleles. Based on insufficient or conflicting evidence, the clinical significance of this alteration remains unclear.

Labcorp Genetics (formerly Invitae), Labcorp
Classification: Likely benign for CHARGE syndrome. Last evaluated: 2024-07-13. Review status: criteria provided, single submitter. Criteria: Invitae Variant Classification Sherloc (09022015). Collection method: clinical testing. Allele origin: germline.

Fulgent Genetics
Classification: Uncertain significance for CHD7-related CHARGE syndrome; Hypogonadotropic hypogonadism 5 with or without anosmia. Last evaluated: 2024-05-31. Review status: criteria provided, single submitter. Criteria: ACMG Guidelines, 2015. Collection method: clinical testing. Allele origin: germline.